The following is an entry in ClinVar:

ClinVar aggregate classification (germline): Uncertain significance (1 of 4 stars; one submission).

Conditions:
Hereditary cancer-predisposing syndrome. Also called: Hereditary neoplastic syndrome; Hereditary Cancer Syndrome; Neoplastic Syndromes, Hereditary; Tumor predisposition. Identifiers: Orphanet 140162, MedGen C0027672, MeSH D009386, MONDO:0015356.

Submission:

Ambry Genetics
Classification: Uncertain significance for Hereditary cancer-predisposing syndrome. Last evaluated: 2023-06-07. Review status: criteria provided, single submitter. Criteria: Ambry Variant Classification Scheme 2023. Collection method: clinical testing. Allele origin: germline.
Comment: The p.D1116E variant (also known as c.3348C>A), located in coding exon 16 of the BLM gene, results from a C to A substitution at nucleotide position 3348. The aspartic acid at codon 1116 is replaced by glutamic acid, an amino acid with highly similar properties. This amino acid position is conserved. In addition, this alteration is predicted to be tolerated by in silico analysis. Since supporting evidence is limited at this time, the clinical significance of this alteration remains unclear.

NM_000057.4(BLM):c.3348C>A (p.Asp1116Glu)

Gene: BLM (BLM RecQ like helicase; plus strand). Cytogenetic location: 15q26.1.
Variant type: single nucleotide variant.
Coding change: c.3348C>A on transcript NM_000057.4 (MANE Select); coding-DNA position 3348, C replaced by A.
Protein change: p.Asp1116Glu; replaces aspartic acid 1116 with glutamic acid.
Molecular consequence: missense variant.
Genome position (GRCh38, 1-based): chr15:90,798,327, C>A. VCF-style: chr15-90798327-C-A. GRCh37 (hg19) VCF-style: chr15-91341557-C-A.
Other names: c.3348C>A, p.Asp1116Glu (NM_001287246.2, NM_001287247.2); c.2223C>A, p.Asp741Glu (NM_001287248.2); short protein forms D741E, D1116E.
Identifiers: ClinVar variation 2566852 (VCV002566852.2), dbSNP rs372697241, ClinGen allele CA393847389.
Genomic context (GRCh38, chr15:90,798,327, plus strand): 5'-AATGAGAAATATAAAACATGTAGGTCCTTCTGGAAGATTTACTATGAATATGCTGGTCGA[C>A]ATTTTCTTGGGTAAGTCATCTGTTTTGAATGTTTGAGTTACTTCAATTGAAATTGAACAT-3'
Protein context (NP_000048.1, residues 1106-1126): SGRFTMNMLV[Asp1116Glu]IFLGSKSAKI